The following is an entry in ClinVar:

NM_001378418.1(TCF20):c.662C>T (p.Ala221Val)

Gene: TCF20 (transcription factor 20; minus strand). Cytogenetic location: 22q13.2.
Variant type: single nucleotide variant.
Coding change: c.662C>T on transcript NM_001378418.1 (MANE Select); coding-DNA position 662, C replaced by T.
Protein change: p.Ala221Val; replaces alanine 221 with valine.
Molecular consequence: missense variant.
Genome position (GRCh38, 1-based): chr22:42,214,644, G>A on the plus strand (C>T on the coding strand, the complement: TCF20 is on the minus strand). VCF-style: chr22-42214644-G-A. GRCh37 (hg19) VCF-style: chr22-42610650-G-A.
Other names: c.662C>T, p.Ala221Val (NM_005650.4, NM_181492.3); short protein forms A221V.
Identifiers: ClinVar variation 3709230 (VCV003709230.2).
Genomic context (GRCh38, chr22:42,214,644, plus strand): 5'-GAGGAAGCAGAAGACTGATAGTGTTGGCCAAACTGACCCACTCTTAACTGGTAACCAGCA[G>A]CAGAGGATGGCAGAGTTGAGGGCCGCTGCATTGGCTGTAGATGGGATGAGCTGGATGCTG-3'
Protein context (NP_001365347.1, residues 211-231): MQRPSTLPSS[Ala221Val]AGYQLRVGQF

ClinVar aggregate classification (germline): Uncertain significance (1 of 4 stars; one submission).

gnomAD v4.1: 10 of 1,614,064 alleles (0.00062%); highest among the groups gnomAD compares: Non-Finnish European, 0.00085%; no homozygotes.

Submission:

Labcorp Genetics (formerly Invitae), Labcorp
Classification: Uncertain significance. Last evaluated: 2024-06-28. Review status: criteria provided, single submitter. Criteria: Invitae Variant Classification Sherloc (09022015). Collection method: clinical testing. Allele origin: germline.
Comment: This sequence change replaces alanine, which is neutral and non-polar, with valine, which is neutral and non-polar, at codon 221 of the TCF20 protein (p.Ala221Val). This variant is present in population databases (no rsID available, gnomAD 0.0009%). This variant has not been reported in the literature in individuals affected with TCF20-related conditions. An algorithm developed to predict the effect of missense changes on protein structure and function (PolyPhen-2) suggests that this variant is likely to be tolerated. In summary, the available evidence is currently insufficient to determine the role of this variant in disease. Therefore, it has been classified as a Variant of Uncertain Significance.